The following is an entry in ClinVar:

ClinVar aggregate classification (germline): Likely benign (1 of 4 stars; one submission).

Allele frequency attached by ClinVar (database versions not stated): gnomAD exomes 0.00001 and 0.00002; ExAC 0.00002; gnomAD 0.00003 and 0.00004; TOPMed 0.00003.
gnomAD v4.1: 20 of 1,608,830 alleles (0.0012%); highest among the groups gnomAD compares: African/African-American, 0.0053%; no homozygotes.

Submission:

Center for Pediatric Genomic Medicine, Children's Mercy Hospital and Clinics
Classification: Likely benign. Last evaluated: 2016-09-01. Review status: criteria provided, single submitter. Criteria: ACMG Guidelines, 2015. Collection method: clinical testing. Allele origin: germline.
ClinVar note: Converted during submission from Likely Benign to Likely benign.

NM_013275.6(ANKRD11):c.6362C>T (p.Ala2121Val)

Gene: ANKRD11 (ankyrin repeat domain containing 11; minus strand). Cytogenetic location: 16q24.3.
Variant type: single nucleotide variant.
Coding change: c.6362C>T on transcript NM_013275.6 (MANE Select); coding-DNA position 6362, C replaced by T.
Protein change: p.Ala2121Val; replaces alanine 2121 with valine.
Molecular consequence: missense variant.
Genome position (GRCh38, 1-based): chr16:89,280,180, G>A on the plus strand (C>T on the coding strand, the complement: ANKRD11 is on the minus strand). VCF-style: chr16-89280180-G-A. GRCh37 (hg19) VCF-style: chr16-89346588-G-A.
Other names: c.6362C>T, p.Ala2121Val (NM_001256182.2, NM_001256183.2); short protein forms A2121V.
Identifiers: ClinVar variation 377125 (VCV000377125.3), dbSNP rs747992186, ClinGen allele CA8241483.